The following is an entry in ClinVar:

ClinVar aggregate classification (germline): Uncertain significance. Review status: criteria provided, multiple submitters, no conflicts (2 of 4 stars). 2 submissions from 2 submitters: Uncertain significance (2). Last evaluated 2025-08-07.

Conditions:
REN-related disorder. Also called: REN-related condition.

Allele frequency attached by ClinVar (database versions not stated): TOPMed 0.00001; gnomAD exomes 0.00002; ExAC 0.00003; gnomAD 0.00003.
gnomAD v4.1: 43 of 1,614,148 alleles (0.0027%); highest among the groups gnomAD compares: Middle Eastern, 0.082%; no homozygotes.

Submissions (2):

PreventionGenetics, part of Exact Sciences
Classification: Uncertain significance for REN-related condition. Last evaluated: 2025-08-07. Review status: criteria provided, single submitter. Criteria: ACMG Guidelines, 2015. Collection method: clinical testing. Allele origin: germline.
Comment: The REN c.422A>G variant is predicted to result in the amino acid substitution p.Asn141Ser. To our knowledge, this variant has not been reported in the literature. This variant is reported in 0.013% of alleles in individuals of South Asian descent in gnomAD. At this time, the clinical significance of this variant is uncertain due to the absence of conclusive functional and genetic evidence.

Labcorp Genetics (formerly Invitae), Labcorp
Classification: Uncertain significance. Last evaluated: 2025-04-17. Review status: criteria provided, single submitter. Criteria: Invitae Variant Classification Sherloc (09022015). Collection method: clinical testing. Allele origin: germline.
Comment: This sequence change replaces asparagine, which is neutral and polar, with serine, which is neutral and polar, at codon 141 of the REN protein (p.Asn141Ser). This variant is present in population databases (rs776126542, gnomAD 0.01%). This variant has not been reported in the literature in individuals affected with REN-related conditions. ClinVar contains an entry for this variant (Variation ID: 2183357). Invitae Evidence Modeling of protein sequence and biophysical properties (such as structural, functional, and spatial information, amino acid conservation, physicochemical variation, residue mobility, and thermodynamic stability) indicates that this missense variant is not expected to disrupt REN protein function with a negative predictive value of 80%. In summary, the available evidence is currently insufficient to determine the role of this variant in disease. Therefore, it has been classified as a Variant of Uncertain Significance.

NM_000537.4(REN):c.422A>G (p.Asn141Ser)

Gene: REN (renin; minus strand). Cytogenetic location: 1q32.1.
Variant type: single nucleotide variant.
Coding change: c.422A>G on transcript NM_000537.4 (MANE Select); coding-DNA position 422, A replaced by G.
Protein change: p.Asn141Ser; replaces asparagine 141 with serine.
Molecular consequence: missense variant.
Genome position (GRCh38, 1-based): chr1:204,160,630, T>C on the plus strand (A>G on the coding strand, the complement: REN is on the minus strand). VCF-style: chr1-204160630-T-C. GRCh37 (hg19) VCF-style: chr1-204129758-T-C.
Other names: c.422A>G (NM_000537.3); short protein forms N141S.
Identifiers: ClinVar variation 2183357 (VCV002183357.5), dbSNP rs776126542, ClinGen allele CA1344940.